The following is an entry in ClinVar:

ClinVar aggregate classification (germline): Uncertain significance (1 of 4 stars; one submission).

Conditions:
Nemaline myopathy 8 (NEM8). Also called: Nemaline myopathy 8, autosomal recessive. Identifiers: Orphanet 171430, MedGen C3809209, MONDO:0014138, OMIM 615348.

Allele frequency attached by ClinVar (database versions not stated): TOPMed below 0.00001; gnomAD 0.00001 and 0.00002; ExAC 0.00003; gnomAD exomes 0.00003.
gnomAD v4.1: 18 of 1,597,154 alleles (0.0011%); highest among the groups gnomAD compares: South Asian, 0.014%; no homozygotes.

Submission:

Labcorp Genetics (formerly Invitae), Labcorp
Classification: Uncertain significance for Nemaline myopathy 8. Last evaluated: 2019-01-14. Review status: criteria provided, single submitter. Criteria: Invitae Variant Classification Sherloc (09022015). Collection method: clinical testing. Allele origin: germline.
Comment: Algorithms developed to predict the effect of missense changes on protein structure and function output the following: SIFT: "Deleterious"; PolyPhen-2: "Benign"; Align-GVGD: "Class C0". The asparagine amino acid residue is found in multiple mammalian species, suggesting that this missense change does not adversely affect protein function. These predictions have not been confirmed by published functional studies and their clinical significance is uncertain. In summary, the available evidence is currently insufficient to determine the role of this variant in disease. Therefore, it has been classified as a Variant of Uncertain Significance. This variant has not been reported in the literature in individuals with KLHL40-related conditions. This sequence change replaces aspartic acid with asparagine at codon 175 of the KLHL40 protein (p.Asp175Asn). The aspartic acid residue is highly conserved and there is a small physicochemical difference between aspartic acid and asparagine. This variant is present in population databases (rs771551921, ExAC 0.02%).

NM_152393.4(KLHL40):c.523G>A (p.Asp175Asn)

Gene: KLHL40 (kelch like family member 40; plus strand). Cytogenetic location: 3p22.1.
Variant type: single nucleotide variant.
Coding change: c.523G>A on transcript NM_152393.4 (MANE Select); coding-DNA position 523, G replaced by A.
Protein change: p.Asp175Asn; replaces aspartic acid 175 with asparagine.
Molecular consequence: missense variant.
Genome position (GRCh38, 1-based): chr3:42,686,141, G>A. VCF-style: chr3-42686141-G-A. GRCh37 (hg19) VCF-style: chr3-42727633-G-A.
Other names: short protein forms D175N.
Identifiers: ClinVar variation 845779 (VCV000845779.6), dbSNP rs771551921, ClinGen allele CA2336676.